The following is an entry in ClinVar:

ClinVar aggregate classification (germline): Pathogenic/Likely pathogenic. Review status: criteria provided, multiple submitters, no conflicts (2 of 4 stars). 6 submissions from 6 submitters: Pathogenic (4); Likely pathogenic (1). 1 of the submissions does not count toward it. Last evaluated 2025-05-13.

Conditions:
DDX41-related hematologic malignancy predisposition syndrome. Also called: Myeloproliferative/lymphoproliferative neoplasms, familial (multiple types), susceptibility to; DDX41-Associated Familial Myelodysplastic Syndrome and Acute Myeloid Leukemia. Identifiers: Orphanet 488647, MedGen C4225174, MONDO:0014809, OMIM 616871.
Inborn genetic diseases. Identifiers: MedGen C0950123, MeSH D030342.

Submissions (6):

Saint-Louis Hospital, Assistance Publique Hôpitaux de Paris
Classification: Likely pathogenic for DDX41-related hematologic malignancy predisposition syndrome. Last evaluated: 2025-05-13. Review status: criteria provided, single submitter. Criteria: ACMG Guidelines, 2015. Collection method: clinical testing. Allele origin: germline. Affected: yes.
Comment: The variant DDX41 (NM_016222.4):c.847del:p.(Leu283CysfsTer21) is predicted to lead to a frameshift and a premature stop codon. Loss-of-function variants in DDX41 are known to be pathogenic (PMID: 26712909, 27133828). Is is absent from control population databases. It has been raported in individuals with suspected or confirmed predisposition to myeloid malignancies (Li P et al. , 2022 PMID:35671390 ; Makishima et al. , 2023 , PMID:36322930; Perani et al, 2023, PMID: 36923434)

Ambry Genetics
Classification: Pathogenic for Inborn genetic diseases. Last evaluated: 2025-03-04. Review status: criteria provided, single submitter. Criteria: Ambry Variant Classification Scheme 2023. Collection method: clinical testing. Allele origin: germline.
Comment: The c.847delC pathogenic mutation, located in coding exon 9 of the DDX41 gene, results from a deletion of one nucleotide at nucleotide position 847, causing a translational frameshift with a predicted alternate stop codon (p.L283Cfs*21). This variant was reported in individual(s) with features consistent with DDX41-related hematologic malignancy predisposition syndrome; in at least one individual, germline origin was confirmed through familial testing (Li P et al. Leukemia, 2022 Mar;36:664-674; Makishima H et al. Blood, 2023 Feb;141:534-549; Perani A et al. Front Oncol, 2023 Feb;13:1120829). This variant is considered to be rare based on population cohorts in the Genome Aggregation Database (gnomAD). In addition to the clinical data presented in the literature, this alteration is expected to result in loss of function by premature protein truncation or nonsense-mediated mRNA decay. As such, this alteration is interpreted as a disease-causing mutation.

Labcorp Genetics (formerly Invitae), Labcorp
Classification: Pathogenic. Last evaluated: 2024-10-22. Review status: criteria provided, single submitter. Criteria: Invitae Variant Classification Sherloc (09022015). Collection method: clinical testing. Allele origin: germline.
Comment: This sequence change creates a premature translational stop signal (p.Leu283Cysfs*21) in the DDX41 gene. It is expected to result in an absent or disrupted protein product. Loss-of-function variants in DDX41 are known to be pathogenic (PMID: 26712909, 27133828). This variant is not present in population databases (gnomAD no frequency). This premature translational stop signal has been observed in individual(s) with clinical features of DDX41-related conditions (PMID: 33585199, 34671111, 35671390). ClinVar contains an entry for this variant (Variation ID: 1800707). For these reasons, this variant has been classified as Pathogenic.

Baylor Genetics
Classification: Pathogenic for DDX41-related hematologic malignancy predisposition syndrome. Last evaluated: 2024-02-14. Review status: criteria provided, single submitter. Criteria: ACMG Guidelines, 2015. Collection method: clinical testing. Allele origin: unknown.

GeneDx
Classification: Pathogenic. Last evaluated: 2023-04-10. Review status: criteria provided, single submitter. Criteria: GeneDx Variant Classification Process June 2021. Collection method: clinical testing. Allele origin: germline.
Comment: Frameshift variant predicted to result in protein truncation or nonsense mediated decay in a gene for which loss of function is a known mechanism of disease; Not observed at significant frequency in large population cohorts (gnomAD); This variant is associated with the following publications: (PMID: 35443031, 37665752, 33585199, 34671111)

Clinical Genomics Labs, University Health Network
Classification: Pathogenic for DDX41-related hematologic malignancy predisposition syndrome. Last evaluated: 2022-02-10. Review status: no assertion criteria provided. Criteria: ACMG Guidelines, 2015. Collection method: clinical testing. Allele origin: germline. Affected: yes. Not counted in ClinVar's aggregate classification.

Literature cited by the submitters: PubMed 26712909 (cited by Saint-Louis Hospital, Assistance Publique Hôpitaux de Paris and Labcorp Genetics (formerly Invitae), Labcorp); PubMed 27133828 (cited by Saint-Louis Hospital, Assistance Publique Hôpitaux de Paris and Labcorp Genetics (formerly Invitae), Labcorp); PubMed 35671390 (cited by Saint-Louis Hospital, Assistance Publique Hôpitaux de Paris and Labcorp Genetics (formerly Invitae), Labcorp); PubMed 36322930 (cited by Saint-Louis Hospital, Assistance Publique Hôpitaux de Paris and Ambry Genetics); PubMed 36923434 (cited by Saint-Louis Hospital, Assistance Publique Hôpitaux de Paris and Ambry Genetics); PubMed 34671111 (cited by Ambry Genetics and Labcorp Genetics (formerly Invitae), Labcorp); PubMed 33585199 (cited by Labcorp Genetics (formerly Invitae), Labcorp).

NM_016222.4(DDX41):c.847del (p.Leu283fs)

Gene: DDX41 (DEAD-box helicase 41; minus strand). Cytogenetic location: 5q35.3.
Variant type: Deletion.
Coding change: c.847del on transcript NM_016222.4 (MANE Select); coding-DNA position 847, one base deleted (C; older notation c.847delC).
Protein change: p.Leu283fs; shifts the reading frame from leucine 283.
Molecular consequence: frameshift variant.
Genome position (GRCh38, 1-based): chr5:177,514,789, G deleted on the plus strand (C on the coding strand, the reverse complement: DDX41 is on the minus strand); the first of 2 consecutive G bases (chr5:177,514,789-177,514,790); deleting either gives the same sequence. VCF-style (leftmost placement, unchanged base first): chr5-177514788-AG-A. GRCh37 (hg19) VCF-style: chr5-176941789-AG-A.
Other names: c.847delC (NM_016222.2, NM_016222.3); c.469del, p.Leu157fs (NM_001321732.2, NM_001321830.2); short protein forms L157fs, L283fs.
Identifiers: ClinVar variation 1800707 (VCV001800707.9), dbSNP rs1761145210, ClinGen allele CA1603617038.